The following is an entry in ClinVar:

ClinVar aggregate classification (germline): Uncertain significance. Review status: criteria provided, multiple submitters, no conflicts (2 of 4 stars). 4 submissions from 4 submitters: Uncertain significance (4). Last evaluated 2025-09-17.

Conditions:
Hereditary cancer-predisposing syndrome. Also called: Tumor predisposition; Hereditary neoplastic syndrome; Hereditary Cancer Syndrome; Neoplastic Syndromes, Hereditary. Identifiers: Orphanet 140162, MedGen C0027672, MeSH D009386, MONDO:0015356.
Familial adenomatous polyposis 1 (FAP1). Also called: FAMILIAL ADENOMATOUS POLYPOSIS 1, ATTENUATED; POLYPOSIS, ADENOMATOUS INTESTINAL. Identifiers: MedGen C2713442, MONDO:0021056, OMIM 175100. Disease mechanism: loss of function.

Submissions (4):

Ambry Genetics
Classification: Uncertain significance for Hereditary cancer-predisposing syndrome. Last evaluated: 2025-09-17. Review status: criteria provided, single submitter. Criteria: Ambry Variant Classification Scheme 2023. Collection method: clinical testing. Allele origin: germline.
Comment: The p.R2791M variant (also known as c.8372G>T), located in coding exon 15 of the APC gene, results from a G to T substitution at nucleotide position 8372. The arginine at codon 2791 is replaced by methionine, an amino acid with similar properties. This amino acid position is conserved. In addition, in silico predictors for this gene do not accurately predict pathogenicity. Based on the available evidence, the clinical significance of this variant remains unclear.

Labcorp Genetics (formerly Invitae), Labcorp
Classification: Uncertain significance for Familial adenomatous polyposis 1. Last evaluated: 2024-08-14. Review status: criteria provided, single submitter. Criteria: Invitae Variant Classification Sherloc (09022015). Collection method: clinical testing. Allele origin: germline.
Comment: This sequence change replaces arginine, which is basic and polar, with methionine, which is neutral and non-polar, at codon 2791 of the APC protein (p.Arg2791Met). This variant is not present in population databases (gnomAD no frequency). This variant has not been reported in the literature in individuals affected with APC-related conditions. ClinVar contains an entry for this variant (Variation ID: 1172334). Invitae Evidence Modeling of protein sequence and biophysical properties (such as structural, functional, and spatial information, amino acid conservation, physicochemical variation, residue mobility, and thermodynamic stability) indicates that this missense variant is not expected to disrupt APC protein function with a negative predictive value of 95%. In summary, the available evidence is currently insufficient to determine the role of this variant in disease. Therefore, it has been classified as a Variant of Uncertain Significance.

Color Diagnostics, LLC DBA Color Health
Classification: Uncertain significance for Hereditary cancer-predisposing syndrome. Last evaluated: 2024-03-06. Review status: criteria provided, single submitter. Criteria: ACMG Guidelines, 2015. Collection method: clinical testing. Allele origin: germline.
Comment: This missense variant replaces arginine with methionine at codon 2791 of the APC protein. Computational prediction is inconclusive regarding the impact of this variant on protein structure and function (internally defined REVEL score threshold 0.5 < inconclusive < 0.7, PMID: 27666373). To our knowledge, functional studies have not been reported for this variant. This variant has not been reported in individuals affected with hereditary cancer in the literature. This variant has not been identified in the general population by the Genome Aggregation Database (gnomAD). The available evidence is insufficient to determine the role of this variant in disease conclusively. Therefore, this variant is classified as a Variant of Uncertain Significance.

Quest Diagnostics Nichols Institute San Juan Capistrano
Classification: Uncertain significance. Last evaluated: 2023-10-31. Review status: criteria provided, single submitter. Criteria: Quest Diagnostics criteria. Collection method: clinical testing. Allele origin: unknown.
Comment: The APC c.8372G>T (p.Arg2791Met) variant has not been reported in individuals with APC-related conditions in the published literature. It also has not been reported in large, multi-ethnic general populations (Genome Aggregation Database). Analysis of this variant using bioinformatics tools for the prediction of the effect of amino acid changes on protein structure and function yielded predictions that this variant is damaging. Based on the available information, we are unable to determine the clinical significance of this variant.

NM_000038.6(APC):c.8372G>T (p.Arg2791Met)

Gene: APC (APC regulator of Wnt signaling pathway; plus strand). Cytogenetic location: 5q22.2.
Variant type: single nucleotide variant.
Coding change: c.8372G>T on transcript NM_000038.6 (MANE Select); coding-DNA position 8372, G replaced by T.
Protein change: p.Arg2791Met; replaces arginine 2791 with methionine.
Molecular consequence: missense variant.
Genome position (GRCh38, 1-based): chr5:112,843,966, G>T. VCF-style: chr5-112843966-G-T. GRCh37 (hg19) VCF-style: chr5-112179663-G-T.
Other names: c.8372G>T, p.Arg2791Met (NM_001127510.3, NM_001354895.2); c.8318G>T, p.Arg2773Met (NM_001127511.3); c.8426G>T, p.Arg2809Met (NM_001354896.2); c.8402G>T, p.Arg2801Met (NM_001354897.2); c.8297G>T, p.Arg2766Met (NM_001354898.2); c.8288G>T, p.Arg2763Met (NM_001354899.2); c.8249G>T, p.Arg2750Met (NM_001354900.2); c.8195G>T, p.Arg2732Met (NM_001354901.2); and 5 more; short protein forms R2508M, R2631M, R2665M, R2690M, R2700M, R2732M, R2750M, R2763M.
Identifiers: ClinVar variation 1172334 (VCV001172334.7), dbSNP rs1766725193, ClinGen allele CA16039500.